The following is an entry in ClinVar:

NM_014215.3(INSRR):c.285C>T (p.Arg95=)

Genes: INSRR (insulin receptor related receptor; minus strand), NTRK1 (neurotrophic receptor tyrosine kinase 1; plus strand). Cytogenetic location: 1q23.1.
Variant type: single nucleotide variant.
Coding change: c.285C>T on transcript NM_014215.3 (MANE Select); coding-DNA position 285, C replaced by T.
Protein change: p.Arg95=; no amino-acid change (arginine 95 retained).
Molecular consequence: synonymous variant. On other transcripts: intron variant (1).
Genome position (GRCh38, 1-based): chr1:156,854,104, G>A on the plus strand (C>T on the coding strand, the complement: INSRR is on the minus strand). VCF-style: chr1-156854104-G-A. GRCh37 (hg19) VCF-style: chr1-156823896-G-A.
Other names: c.123-10250G>A (NM_001007792.1).
Identifiers: ClinVar variation 2498431 (VCV002498431.25), dbSNP rs143166774, ClinGen allele CA1168725.

ClinVar aggregate classification (germline): Likely benign (1 of 4 stars; one submission).

Allele frequency attached by ClinVar (database versions not stated): gnomAD exomes 0.00044; ExAC 0.00069; 1000 Genomes Project 0.00020; TOPMed 0.00023; gnomAD 0.00049; 1000 Genomes Project 30x 0.00016; ESP Exome Variant Server 0.00038.
gnomAD v4.1: 731 of 1,614,096 alleles (0.045%); highest among the groups gnomAD compares: South Asian, 0.069%; 3 homozygotes.

Submission:

CeGaT Center for Human Genetics Tuebingen
Classification: Likely benign. Last evaluated: 2025-01-01. Review status: criteria provided, single submitter. Criteria: CeGaT Center For Human Genetics Tuebingen Variant Classification Criteria Version 2. Collection method: clinical testing. Allele origin: germline. Affected: yes. Observed: 2 variant alleles.
Comment: INSRR: BP4, BP7